The following is an entry in ClinVar:

NM_025144.4(ALPK1):c.383del (p.Leu128fs)

Gene: ALPK1 (alpha kinase 1; plus strand). Cytogenetic location: 4q25.
Variant type: Deletion.
Coding change: c.383del on transcript NM_025144.4 (MANE Select); coding-DNA position 383, one base deleted (T; older notation c.383delT).
Protein change: p.Leu128fs; shifts the reading frame from leucine 128.
Molecular consequence: frameshift variant.
Genome position (GRCh38, 1-based): chr4:112,411,933, T deleted. VCF-style (leftmost placement, unchanged base first): chr4-112411932-CT-C. GRCh37 (hg19) VCF-style: chr4-113333088-CT-C.
Other names: c.383del, p.Leu128fs (NM_001102406.2); c.149del, p.Leu50fs (NM_001253884.2); short protein forms L128fs, L50fs.
Identifiers: ClinVar variation 2990391 (VCV002990391.3), dbSNP rs777325540, ClinGen allele CA3046355.

ClinVar aggregate classification (germline): Uncertain significance (1 of 4 stars; one submission).

Allele frequency attached by ClinVar (database versions not stated): gnomAD 0.00001; TOPMed 0.00001; gnomAD exomes 0.00005; ExAC 0.00012.

Submission:

Labcorp Genetics (formerly Invitae), Labcorp
Classification: Uncertain significance. Last evaluated: 2025-01-19. Review status: criteria provided, single submitter. Criteria: Invitae Variant Classification Sherloc (09022015). Collection method: clinical testing. Allele origin: germline.
Comment: This sequence change creates a premature translational stop signal (p.Leu128Argfs*29) in the ALPK1 gene. It is expected to result in an absent or disrupted protein product. However, the current clinical and genetic evidence is not sufficient to establish whether loss-of-function variants in ALPK1 cause disease. This variant is present in population databases (rs777325540, gnomAD 0.07%), and has an allele count higher than expected for a pathogenic variant. This variant has not been reported in the literature in individuals affected with ALPK1-related conditions. ClinVar contains an entry for this variant (Variation ID: 2990391). In summary, the available evidence is currently insufficient to determine the role of this variant in disease. Therefore, it has been classified as a Variant of Uncertain Significance.